The following is an entry in ClinVar:

ClinVar aggregate classification (germline): Uncertain significance (1 of 4 stars; one submission).

Submission:

Labcorp Genetics (formerly Invitae), Labcorp
Classification: Uncertain significance. Last evaluated: 2025-04-16. Review status: criteria provided, single submitter. Criteria: Invitae Variant Classification Sherloc (09022015). Collection method: clinical testing. Allele origin: germline.
Comment: This sequence change replaces glycine, which is neutral and non-polar, with serine, which is neutral and polar, at codon 115 of the AMER1 protein (p.Gly115Ser). This variant is not present in population databases (gnomAD no frequency). This variant has not been reported in the literature in individuals affected with AMER1-related conditions. ClinVar contains an entry for this variant (Variation ID: 1496156). An algorithm developed to predict the effect of missense changes on protein structure and function outputs the following: PolyPhen-2: "Benign". The serine amino acid residue is found in multiple mammalian species, which suggests that this missense change does not adversely affect protein function. In summary, the available evidence is currently insufficient to determine the role of this variant in disease. Therefore, it has been classified as a Variant of Uncertain Significance.

NM_152424.4(AMER1):c.343G>A (p.Gly115Ser)

Gene: AMER1 (APC membrane recruitment protein 1; minus strand). Cytogenetic location: Xq11.2.
Variant type: single nucleotide variant.
Coding change: c.343G>A on transcript NM_152424.4 (MANE Select); coding-DNA position 343, G replaced by A.
Protein change: p.Gly115Ser; replaces glycine 115 with serine.
Molecular consequence: missense variant.
Genome position (GRCh38, 1-based): chrX:64,192,944, C>T on the plus strand (G>A on the coding strand, the complement: AMER1 is on the minus strand). VCF-style: chrX-64192944-C-T. GRCh37 (hg19) VCF-style: chrX-63412824-C-T.
Other names: short protein forms G115S.
Identifiers: ClinVar variation 1496156 (VCV001496156.8), dbSNP rs2147090742, ClinGen allele CA413311565.